The following is an entry in ClinVar:

NM_019098.5(CNGB3):c.442_446delinsGAAAAT (p.Lys148fs)

Gene: CNGB3 (cyclic nucleotide gated channel subunit beta 3; minus strand). Cytogenetic location: 8q21.3.
Variant type: Indel.
Coding change: c.442_446delinsGAAAAT on transcript NM_019098.5 (MANE Select); coding-DNA positions 442 to 446, AAAAA replaced by GAAAAT.
Protein change: p.Lys148fs; shifts the reading frame from lysine 148.
Molecular consequence: frameshift variant.
Genome position (GRCh38, 1-based): chr8:86,670,991-86,670,995, TTTTT replaced by ATTTTC on the plus strand (AAAAA replaced by GAAAAT on the coding strand, the reverse complement: CNGB3 is on the minus strand). VCF-style: chr8-86670991-TTTTT-ATTTTC. GRCh37 (hg19) VCF-style: chr8-87683219-TTTTT-ATTTTC.
Other names: c.442_446delAAAAAinsGAAAAT (NM_019098.4); short protein forms K148fs.
Identifiers: ClinVar variation 1322099 (VCV001322099.7), dbSNP rs2131618938, ClinGen allele CA2573053056.

ClinVar aggregate classification (germline): Pathogenic. Review status: criteria provided, multiple submitters, no conflicts (2 of 4 stars). 3 submissions from 3 submitters: Pathogenic (3). Last evaluated 2024-08-25.

Conditions:
Achromatopsia 3 (ACHM3). Also called: TOTAL COLORBLINDNESS WITH MYOPIA; ROD MONOCHROMACY 1; ROD MONOCHROMATISM 1; ACHROMATOPSIA WITH MYOPIA; PINGELAPESE BLINDNESS. Identifiers: Orphanet 49382, MedGen C1849792, MONDO:0009875, OMIM 262300.
Achromatopsia. Also called: Rod monochromatism. Identifiers: Orphanet 49382, MedGen C0152200, MONDO:0018852, HP:0011516.

Submissions (3):

Natera, Inc.
Classification: Pathogenic for Achromatopsia. Last evaluated: 2024-08-25. Review status: criteria provided, single submitter. Criteria: Natera Variant Classification Schema (03/2026). Collection method: clinical testing. Allele origin: germline.
Comment: The c.442_446delAAAAAinsGAAAAT variant in CNGB3 is a frameshift variant predicted to shift the reading frame beginning at codon 148 and leads to a stop codon 31 codons downstream. This variant is expected to result in nonsense mediated decay, truncation, or a dysfunctional protein product. This variant is rare in the general population with a frequency below the threshold expected for the associated phenotype(s). This variant has been observed in one or more individuals affected with the associated recessive disease, as either homozygous or compound heterozygous with a second variant (PMID: 12357335). Additionally, this variant has been observed to segregate in affected family members (PMID: 12357335). Given the available evidence, this variant is classified as Pathogenic.

GeneDx
Classification: Pathogenic. Last evaluated: 2024-07-24. Review status: criteria provided, single submitter. Criteria: GeneDx Variant Classification Process June 2021. Collection method: clinical testing. Allele origin: germline. Affected: yes.
Comment: Frameshift variant predicted to result in protein truncation or nonsense mediated decay in a gene for which loss of function is a known mechanism of disease; Not observed at significant frequency in large population cohorts (gnomAD); This variant is associated with the following publications: (PMID: 31964843, 12357335)

Revvity Omics, Revvity
Classification: Pathogenic for Achromatopsia 3. Last evaluated: 2020-08-11. Review status: criteria provided, single submitter. Criteria: ACMG Guidelines, 2015. Collection method: clinical testing. Allele origin: germline.

Literature cited by the submitters: PubMed 12357335 (cited by Natera, Inc.).